The following is an entry in ClinVar:

ClinVar aggregate classification (germline): Conflicting classifications of pathogenicity. Review status: criteria provided, conflicting classifications (1 of 4 stars). 9 submissions from 9 submitters: Likely pathogenic (1); Uncertain significance (7). 1 of the submissions does not count toward it. Last evaluated 2026-01-14.

Conditions:
Hereditary cancer-predisposing syndrome. Also called: Hereditary neoplastic syndrome; Neoplastic Syndromes, Hereditary; Tumor predisposition; Hereditary Cancer Syndrome. Identifiers: Orphanet 140162, MedGen C0027672, MeSH D009386, MONDO:0015356.
Ataxia-telangiectasia syndrome (AT). Also called: Ataxia telangiectasia (A-T); LOUIS-BAR SYNDROME; Cerebello-oculocutaneous telangiectasia; Immunodeficiency with ataxia telangiectasia; Ataxia-telangiectasia, complementation group D; AT, COMPLEMENTATION GROUP C. Identifiers: Orphanet 100, MedGen C0004135, MONDO:0008840, OMIM 208900.
Familial cancer of breast. Also called: Hereditary breast cancer; hereditary breast carcinoma; BREAST CANCER, FAMILIAL. Identifiers: Orphanet 227535, MedGen C0346153, MONDO:0016419, OMIM 114480. Disease mechanism: loss of function.

Allele frequency attached by ClinVar (database versions not stated): gnomAD exomes below 0.00001; gnomAD 0.00001; TOPMed 0.00003.
gnomAD v4.1: 3 of 1,612,970 alleles (0.00019%); highest among the groups gnomAD compares: African/African-American, 0.0027%; no homozygotes.

Submissions (9):

Labcorp Genetics (formerly Invitae), Labcorp
Classification: Uncertain significance for Ataxia-telangiectasia syndrome. Last evaluated: 2026-01-14. Review status: criteria provided, single submitter. Criteria: Invitae Variant Classification Sherloc (09022015). Collection method: clinical testing. Allele origin: germline.
Comment: This sequence change replaces valine, which is neutral and non-polar, with glycine, which is neutral and non-polar, at codon 613 of the ATM protein (p.Val613Gly). This variant is not present in population databases (gnomAD no frequency). This variant has not been reported in the literature in individuals affected with ATM-related conditions. ClinVar contains an entry for this variant (Variation ID: 407687). Invitae Evidence Modeling of protein sequence and biophysical properties (such as structural, functional, and spatial information, amino acid conservation, physicochemical variation, residue mobility, and thermodynamic stability) indicates that this missense variant is not expected to disrupt ATM protein function with a negative predictive value of 95%. In summary, the available evidence is currently insufficient to determine the role of this variant in disease. Therefore, it has been classified as a Variant of Uncertain Significance.

Ambry Genetics
Classification: Uncertain significance for Hereditary cancer-predisposing syndrome. Last evaluated: 2025-11-05. Review status: criteria provided, single submitter. Criteria: Ambry Variant Classification Scheme 2023. Collection method: clinical testing. Allele origin: germline.
Comment: The p.V613G variant (also known as c.1838T>G), located in coding exon 11 of the ATM gene, results from a T to G substitution at nucleotide position 1838. The valine at codon 613 is replaced by glycine, an amino acid with dissimilar properties. This amino acid position is highly conserved in available vertebrate species. In addition, this alteration is predicted to be deleterious by in silico analysis. Based on the available evidence, the clinical significance of this variant remains unclear.

Color Diagnostics, LLC DBA Color Health
Classification: Uncertain significance for Hereditary cancer-predisposing syndrome. Last evaluated: 2023-11-06. Review status: criteria provided, single submitter. Criteria: ACMG Guidelines, 2015. Collection method: clinical testing. Allele origin: germline.
Comment: This missense variant replaces valine with glycine at codon 613 of the ATM protein. Computational prediction is inconclusive regarding the impact of this variant on protein structure and function (internally defined REVEL score threshold 0.5 < inconclusive < 0.7, PMID: 27666373). To our knowledge, functional studies have not been reported for this variant. This variant has not been reported in individuals affected with hereditary cancer in the literature. This variant has not been identified in the general population by the Genome Aggregation Database (gnomAD). The available evidence is insufficient to determine the role of this variant in disease conclusively. Therefore, this variant is classified as a Variant of Uncertain Significance.

Baylor Genetics
Classification: Uncertain significance for Familial cancer of breast. Last evaluated: 2023-10-30. Review status: criteria provided, single submitter. Criteria: ACMG Guidelines, 2015. Collection method: clinical testing. Allele origin: unknown.

Sema4
Classification: Uncertain significance for Hereditary cancer-predisposing syndrome. Last evaluated: 2021-04-15. Review status: criteria provided, single submitter. Criteria: Sema4 Curation Guidelines. Collection method: curation. Allele origin: germline.
Comment: The ATM c.1838T>G (p.V613G) variant has been reported in a study in patients with Cowden/Cowden-like and Bannayan-Riley-Ruvalcaba syndromes without PTEN mutations (PMID: 29684080). This variant is not reported in the population database Genome Aggregation Database (PMID: 27535533). This variant has been reported in ClinVar (Variation ID: 407687). In silico tools suggest the impact of the variant on protein function is inconclusive, though these predictions have not been confirmed by functional studies. Based on the current evidence available, this variant is interpreted as a variant of uncertain significance.

GeneDx
Classification: Uncertain significance. Last evaluated: 2020-01-20. Review status: criteria provided, single submitter. Criteria: GeneDx Variant Classification Process June 2021. Collection method: clinical testing. Allele origin: germline. Affected: yes.
Comment: Not observed in large population cohorts (Lek et al., 2016); In silico analysis, which includes protein predictors and evolutionary conservation, supports a deleterious effect; Observed in individuals with features of Cowden or Bannayan-Riley-Ruvalcaba syndrome (Yehia 2018); This variant is associated with the following publications: (PMID: 29684080)

Women's Health and Genetics/Laboratory Corporation of America, LabCorp
Classification: Uncertain significance. Last evaluated: 2019-03-26. Review status: criteria provided, single submitter. Criteria: LabCorp Variant Classification Summary - May 2015. Collection method: clinical testing. Allele origin: germline.
Comment: Variant summary: ATM c.1838T>G (p.Val613Gly) results in a non-conservative amino acid change in the encoded protein sequence. Three of five in-silico tools predict a benign effect of the variant on protein function. The variant was absent in 245726 control chromosomes (gnomAD). The available data on variant occurrences in the general population are insufficient to allow any conclusion about variant significance. To our knowledge, no occurrence of c.1838T>G in individuals affected with Ataxia-Telangiectasia and no experimental evidence demonstrating its impact on protein function have been reported. Three clinical diagnostic laboratories have submitted clinical-significance assessments for this variant to ClinVar after 2014 without evidence for independent evaluation and classified the variant as uncertain significance. Based on the evidence outlined above, the variant was classified as uncertain significance.

Genetic Services Laboratory, University of Chicago
Classification: Likely pathogenic. Last evaluated: 2019-02-11. Review status: criteria provided, single submitter. Criteria: ACMG Guidelines, 2015. Collection method: clinical testing. Allele origin: germline. Affected: yes.
Comment: The p.Val613Gly change affects a moderately conserved amino acid residue located in a domain of the ATM protein that is not known to be functional. In-silico pathogenicity prediction tools (SIFT, PolyPhen2, Align GVGD, REVEL, in silico splice prediction tools) provide contradictory results for the p.Val613Gly substitution. This sequence change is absent from the gnomAD database. The p.Val613Gly amino acid change occurs in a region of the ATM gene where other missense sequence changes have been described in patients with ATM-related disorders. This sequence change, in trans configuration with the p.Glu937Alafs*33 pathogenic sequence change, is likely pathogenic, however functional studies have not been performed to prove this conclusively.

Natera, Inc.
Classification: Uncertain significance for Ataxia-telangiectasia. Last evaluated: 2021-10-19. Review status: no assertion criteria provided. Collection method: clinical testing. Allele origin: germline. Not counted in ClinVar's aggregate classification.

Literature cited by the submitters: PubMed 29684080 (cited by Ambry Genetics and Sema4).

NM_000051.4(ATM):c.1838T>G (p.Val613Gly)

Gene: ATM (ATM serine/threonine kinase; plus strand). Cytogenetic location: 11q22.3.
Variant type: single nucleotide variant.
Coding change: c.1838T>G on transcript NM_000051.4 (MANE Select); coding-DNA position 1838, T replaced by G.
Protein change: p.Val613Gly; replaces valine 613 with glycine.
Molecular consequence: missense variant.
Genome position (GRCh38, 1-based): chr11:108,252,852, T>G. VCF-style: chr11-108252852-T-G. GRCh37 (hg19) VCF-style: chr11-108123579-T-G.
Other names: c.1838T>G, p.Val613Gly (NM_001351834.2); short protein forms V613G.
Identifiers: ClinVar variation 407687 (VCV000407687.34), dbSNP rs762018538, ClinGen allele CA16613012.
Genomic context (GRCh38, chr11:108,252,852, plus strand): 5'-TGAAGCTTTTTGTTTTTCTTTGTAGTAATTTTCCTCATCTTGTACTGGAGAAAATTCTTG[T>G]GAGTCTCACTATGAAAAACTGTAAAGCTGCAATGAATTTTTTCCAAAGCGTGCCAGAATG-3'
Protein context (NP_000042.3, residues 603-623): FPHLVLEKIL[Val613Gly]SLTMKNCKAA